The following is an entry in ClinVar:

ClinVar aggregate classification (germline): Conflicting classifications of pathogenicity. Review status: criteria provided, conflicting classifications (1 of 4 stars). 5 submissions from 5 submitters: Uncertain significance (2); Likely benign (1). 2 of the submissions do not count toward it. Last evaluated 2023-06-30.

Conditions:
Brugada syndrome 7 (BRGDA7). Identifiers: Orphanet 130, MedGen C2751088, MONDO:0013146, OMIM 613120.
Cardiovascular phenotype. Identifiers: MedGen CN230736.

Allele frequency attached by ClinVar (database versions not stated): TOPMed 0.00002; gnomAD 0.00004; ExAC 0.00007.
gnomAD v4.1: 71 of 1,613,956 alleles (0.0044%); highest among the groups gnomAD compares: Non-Finnish European, 0.0058%; no homozygotes.

Submissions (5):

Ambry Genetics
Classification: Likely benign for Cardiovascular phenotype. Last evaluated: 2023-06-30. Review status: criteria provided, single submitter. Criteria: Ambry Variant Classification Scheme 2023. Collection method: clinical testing. Allele origin: germline.

Labcorp Genetics (formerly Invitae), Labcorp
Classification: Uncertain significance for Brugada syndrome 7. Last evaluated: 2022-08-16. Review status: criteria provided, single submitter. Criteria: Invitae Variant Classification Sherloc (09022015). Collection method: clinical testing. Allele origin: germline.
Comment: In summary, the available evidence is currently insufficient to determine the role of this variant in disease. Therefore, it has been classified as a Variant of Uncertain Significance. Algorithms developed to predict the effect of missense changes on protein structure and function (SIFT, PolyPhen-2, Align-GVGD) all suggest that this variant is likely to be disruptive. ClinVar contains an entry for this variant (Variation ID: 1005948). This variant has not been reported in the literature in individuals affected with SCN3B-related conditions. This variant is present in population databases (rs746954414, gnomAD 0.01%). This sequence change replaces valine, which is neutral and non-polar, with leucine, which is neutral and non-polar, at codon 25 of the SCN3B protein (p.Val25Leu).

GeneDx
Classification: Uncertain significance. Last evaluated: 2021-05-28. Review status: criteria provided, single submitter. Criteria: GeneDx Variant Classification Process June 2021. Collection method: clinical testing. Allele origin: germline. Affected: yes.
Comment: Has not been previously published as pathogenic or benign to our knowledge; In silico analysis, which includes protein predictors and evolutionary conservation, supports that this variant does not alter protein structure/function

Clinical Genetics, Academic Medical Center
Classification: Uncertain significance. Review status: no assertion criteria provided. Collection method: clinical testing. Allele origin: germline. Affected: yes. Study: VKGL Data-share Consensus. Not counted in ClinVar's aggregate classification.

Joint Genome Diagnostic Labs from Nijmegen and Maastricht, Radboudumc and MUMC+
Classification: Uncertain significance. Review status: no assertion criteria provided. Collection method: clinical testing. Allele origin: germline. Affected: yes. Study: VKGL Data-share Consensus. Not counted in ClinVar's aggregate classification.

NM_001040151.2(SCN3B):c.73G>T (p.Val25Leu)

Gene: SCN3B (sodium voltage-gated channel beta subunit 3; minus strand). Cytogenetic location: 11q24.1.
Variant type: single nucleotide variant.
Coding change: c.73G>T on transcript NM_001040151.2 (MANE Select); coding-DNA position 73, G replaced by T.
Protein change: p.Val25Leu; replaces valine 25 with leucine.
Molecular consequence: missense variant.
Genome position (GRCh38, 1-based): chr11:123,645,733, C>A on the plus strand (G>T on the coding strand, the complement: SCN3B is on the minus strand). VCF-style: chr11-123645733-C-A. GRCh37 (hg19) VCF-style: chr11-123516441-C-A.
Other names: c.73G>T, p.Val25Leu (NM_018400.4); short protein forms V25L.
Identifiers: ClinVar variation 1005948 (VCV001005948.14), dbSNP rs746954414, ClinGen allele CA6334087.